The following is an entry in ClinVar:

ClinVar aggregate classification (germline): Pathogenic/Likely pathogenic. Review status: criteria provided, multiple submitters, no conflicts (2 of 4 stars). 2 submissions from 2 submitters: Pathogenic (1); Likely pathogenic (1). Last evaluated 2024-06-19.

Conditions:
Hemochromatosis type 2A (HFE2A). Also called: HJV (HFE2)-Related Juvenile Hemochromatosis; Adult-Onset Hemochromatosis. Identifiers: Orphanet 79230, MedGen C1865614, MONDO:0011216, OMIM 602390.

Submissions (2):

Fulgent Genetics
Classification: Likely pathogenic for Hemochromatosis type 2A. Last evaluated: 2024-06-19. Review status: criteria provided, single submitter. Criteria: ACMG Guidelines, 2015. Collection method: clinical testing. Allele origin: germline.

Labcorp Genetics (formerly Invitae), Labcorp
Classification: Pathogenic. Last evaluated: 2023-10-09. Review status: criteria provided, single submitter. Criteria: Invitae Variant Classification Sherloc (09022015). Collection method: clinical testing. Allele origin: germline.
Comment: This sequence change creates a premature translational stop signal (p.Arg131Phefs*111) in the HJV gene. While this is not anticipated to result in nonsense mediated decay, it is expected to disrupt the last 296 amino acid(s) of the HJV protein. This variant is not present in population databases (gnomAD no frequency). This premature translational stop signal has been observed in individual(s) with hereditary hemochromatosis (PMID: 14982873). Algorithms developed to predict the effect of sequence changes on RNA splicing suggest that this variant may create or strengthen a splice site. This variant disrupts a region of the HJV protein in which other variant(s) (p.Arg385*) have been determined to be pathogenic (PMID: 14982873, 30389309). This suggests that this is a clinically significant region of the protein, and that variants that disrupt it are likely to be disease-causing. For these reasons, this variant has been classified as Pathogenic.

Literature cited by the submitters: PubMed 14982873 (cited by Labcorp Genetics (formerly Invitae), Labcorp); PubMed 30389309 (cited by Labcorp Genetics (formerly Invitae), Labcorp).

NM_213653.4(HJV):c.391_403del (p.Arg131fs)

Gene: HJV (hemojuvelin BMP co-receptor; minus strand). Cytogenetic location: 1q21.1.
Variant type: Deletion.
Coding change: c.391_403del on transcript NM_213653.4 (MANE Select); coding-DNA positions 391 to 403, 13 bases deleted (CGGGGCCCCGCCC).
Protein change: p.Arg131fs; shifts the reading frame from arginine 131.
Molecular consequence: frameshift variant. On other transcripts: intron variant (3).
Genome position (GRCh38, 1-based): chr1:146,019,429-146,019,441, GGGCGGGGCCCCG deleted on the plus strand (CGGGGCCCCGCCC on the coding strand, the reverse complement: HJV is on the minus strand); deleting any 13 consecutive bases within chr1:146,019,429-146,019,449 gives the same sequence; the c. name uses the placement nearest the transcript's 3' end. VCF-style (leftmost placement, unchanged base first): chr1-146019428-AGGGCGGGGCCCCG-A. GRCh37 (hg19) VCF-style: chr1-145415563-CCCCCGCCCCGGGG-C.
Other names: c.391_403del, p.Arg131fs (NM_001379352.1); c.52_64del, p.Arg18fs (NM_145277.5); c.-21-741_-21-729del (NM_213652.4); c.-22+257_-22+269del (NM_202004.4, NM_001316767.2); short protein forms R131fs, R18fs.
Identifiers: ClinVar variation 2699564 (VCV002699564.4), dbSNP rs1486905702, ClinGen allele CA888539959.